The following is an entry in ClinVar:

NM_000238.4(KCNH2):c.692G>A (p.Arg231Gln)

Gene: KCNH2 (potassium voltage-gated channel subfamily H member 2; minus strand). Cytogenetic location: 7q36.1.
Variant type: single nucleotide variant.
Coding change: c.692G>A on transcript NM_000238.4 (MANE Select); coding-DNA position 692, G replaced by A.
Protein change: p.Arg231Gln; replaces arginine 231 with glutamine.
Molecular consequence: missense variant.
Genome position (GRCh38, 1-based): chr7:150,958,283, C>T on the plus strand (G>A on the coding strand, the complement: KCNH2 is on the minus strand). VCF-style: chr7-150958283-C-T. GRCh37 (hg19) VCF-style: chr7-150655371-C-T.
Other names: c.404G>A, p.Arg135Gln (NM_001406753.1, NM_001406756.1); c.515G>A, p.Arg172Gln (NM_001406755.1); c.392G>A, p.Arg131Gln (NM_001406757.1); c.692G>A, p.Arg231Gln (NM_172056.3); short protein forms R231Q, R135Q, R172Q, R131Q.
Identifiers: ClinVar variation 952892 (VCV000952892.9), dbSNP rs1383803455, ClinGen allele CA369862812.

ClinVar aggregate classification (germline): Uncertain significance. Review status: criteria provided, multiple submitters, no conflicts (2 of 4 stars). 2 submissions from 2 submitters: Uncertain significance (2). Last evaluated 2021-08-30.

Conditions:
Cardiovascular phenotype. Identifiers: MedGen CN230736.
Long QT syndrome (LQTS). Identifiers: MedGen C0023976, MeSH D008133, MONDO:0002442. Disease mechanism: loss of function. Inheritance: Various modes of inheritance.

Allele frequency attached by ClinVar (database versions not stated): TOPMed below 0.00001; gnomAD 0.00001.
gnomAD v4.1: 2 of 1,460,228 alleles (0.00014%); highest among the groups gnomAD compares: South Asian, 0.0013%; no homozygotes.

Submissions (2):

Labcorp Genetics (formerly Invitae), Labcorp
Classification: Uncertain significance for Long QT syndrome. Last evaluated: 2021-08-30. Review status: criteria provided, single submitter. Criteria: Invitae Variant Classification Sherloc (09022015). Collection method: clinical testing. Allele origin: germline.
Comment: This sequence change replaces arginine with glutamine at codon 231 of the KCNH2 protein (p.Arg231Gln). The arginine residue is weakly conserved and there is a small physicochemical difference between arginine and glutamine. The frequency data for this variant in the population databases is considered unreliable, as metrics indicate insufficient coverage at this position in the ExAC database. This variant has not been reported in the literature in individuals affected with KCNH2-related conditions. Algorithms developed to predict the effect of missense changes on protein structure and function output the following: SIFT: "Tolerated"; PolyPhen-2: "Benign"; Align-GVGD: "Class C0". The glutamine amino acid residue is found in multiple mammalian species, which suggests that this missense change does not adversely affect protein function. In summary, the available evidence is currently insufficient to determine the role of this variant in disease. Therefore, it has been classified as a Variant of Uncertain Significance.

Ambry Genetics
Classification: Uncertain significance for Cardiovascular phenotype. Last evaluated: 2021-06-03. Review status: criteria provided, single submitter. Criteria: Ambry Variant Classification Scheme 2023. Collection method: clinical testing. Allele origin: germline.
Comment: The p.R231Q variant (also known as c.692G>A), located in coding exon 4 of the KCNH2 gene, results from a G to A substitution at nucleotide position 692. The arginine at codon 231 is replaced by glutamine, an amino acid with highly similar properties, and is located in the cytoplasmic N-terminal region. This amino acid position is not well conserved in available vertebrate species, and glutamine is the reference amino acid in other vertebrate species. In addition, this alteration is predicted to be tolerated by in silico analysis. Since supporting evidence is limited at this time, the clinical significance of this alteration remains unclear.